The following is an entry in ClinVar:

ClinVar aggregate classification (germline): Uncertain significance. Review status: criteria provided, multiple submitters, no conflicts (2 of 4 stars). 3 submissions from 3 submitters: Uncertain significance (3). Last evaluated 2025-09-25.

Conditions:
Inborn genetic diseases. Identifiers: MedGen C0950123, MeSH D030342.
Familial infantile myasthenia (CMS6). Also called: MYASTHENIC SYNDROME, CONGENITAL, 6, PRESYNAPTIC; MYASTHENIC SYNDROME, PRESYNAPTIC, CONGENITAL, ASSOCIATED WITH EPISODIC APNEA; Congenital myasthenic syndrome type 6. Identifiers: Orphanet 590, MedGen C0393929, MONDO:0009689, OMIM 254210.

Allele frequency attached by ClinVar (database versions not stated): TOPMed 0.00002.
gnomAD v4.1: 6 of 1,613,890 alleles (0.00037%); highest among the groups gnomAD compares: East Asian, 0.0022%; no homozygotes.

Submissions (3):

Labcorp Genetics (formerly Invitae), Labcorp
Classification: Uncertain significance for Familial infantile myasthenia. Last evaluated: 2025-09-25. Review status: criteria provided, single submitter. Criteria: Invitae Variant Classification Sherloc (09022015). Collection method: clinical testing. Allele origin: germline.
Comment: This sequence change replaces arginine, which is basic and polar, with tryptophan, which is neutral and slightly polar, at codon 484 of the CHAT protein (p.Arg484Trp). This variant is present in population databases (rs778801148, gnomAD 0.007%). This variant has not been reported in the literature in individuals affected with CHAT-related conditions. ClinVar contains an entry for this variant (Variation ID: 848026). Invitae Evidence Modeling of protein sequence and biophysical properties (such as structural, functional, and spatial information, amino acid conservation, physicochemical variation, residue mobility, and thermodynamic stability) has been performed for this missense variant. However, the output from this modeling did not meet the statistical confidence thresholds required to predict the impact of this variant on CHAT protein function. In summary, the available evidence is currently insufficient to determine the role of this variant in disease. Therefore, it has been classified as a Variant of Uncertain Significance.

Ambry Genetics
Classification: Uncertain significance for Inborn genetic diseases. Last evaluated: 2024-03-18. Review status: criteria provided, single submitter. Criteria: Ambry Variant Classification Scheme 2023. Collection method: clinical testing. Allele origin: germline.

Revvity Omics, Revvity
Classification: Uncertain significance for Familial infantile myasthenia. Last evaluated: 2019-10-18. Review status: criteria provided, single submitter. Criteria: ACMG Guidelines, 2015. Collection method: clinical testing. Allele origin: germline.

NM_020549.5(CHAT):c.1450C>T (p.Arg484Trp)

Gene: CHAT (choline O-acetyltransferase; plus strand). Cytogenetic location: 10q11.23.
Variant type: single nucleotide variant.
Coding change: c.1450C>T on transcript NM_020549.5 (MANE Select); coding-DNA position 1450, C replaced by T.
Protein change: p.Arg484Trp; replaces arginine 484 with tryptophan.
Molecular consequence: missense variant.
Genome position (GRCh38, 1-based): chr10:49,649,575, C>T. VCF-style: chr10-49649575-C-T. GRCh37 (hg19) VCF-style: chr10-50857621-C-T.
Other names: c.1096C>T, p.Arg366Trp (NM_001142929.2, NM_001142934.2, NM_020984.4 and 2 more transcripts); c.1204C>T, p.Arg402Trp (NM_001142933.2); short protein forms R366W, R402W, R484W.
Identifiers: ClinVar variation 848026 (VCV000848026.11), dbSNP rs778801148, ClinGen allele CA5497506.
Genomic context (GRCh38, chr10:49,649,575, plus strand): 5'-AGCAGCAGGAAGCTGATCCGAGCAGACTCCGTCAGCGAGCTCCCCGCCCCCCGGAGGCTG[C>T]GGTGGAAATGCTCCCCGGAAATTCAAGGCCACTTAGCCTCCTCGGCAGAAAAACTTCAAC-3'
Protein context (NP_065574.4, residues 474-494): VSELPAPRRL[Arg484Trp]WKCSPEIQGH